The following is an entry in ClinVar:

NM_014049.5(ACAD9):c.1283C>T (p.Thr428Ile)

Gene: ACAD9 (acyl-CoA dehydrogenase family member 9; plus strand). Cytogenetic location: 3q21.3.
Variant type: single nucleotide variant.
Coding change: c.1283C>T on transcript NM_014049.5 (MANE Select); coding-DNA position 1283, C replaced by T.
Protein change: p.Thr428Ile; replaces threonine 428 with isoleucine.
Molecular consequence: missense variant. On other transcripts: non-coding transcript variant (1).
Genome position (GRCh38, 1-based): chr3:128,908,189, C>T. VCF-style: chr3-128908189-C-T. GRCh37 (hg19) VCF-style: chr3-128627032-C-T.
Other names: short protein forms T428I.
Identifiers: ClinVar variation 3339771 (VCV003339771.2), dbSNP rs779379787.

ClinVar aggregate classification (germline): Uncertain significance. Review status: criteria provided, multiple submitters, no conflicts (2 of 4 stars). 2 submissions from 2 submitters: Uncertain significance (2). Last evaluated 2025-02-12.

gnomAD v4.1: 3 of 1,614,050 alleles (0.00019%); highest among the groups gnomAD compares: Non-Finnish European, 0.00025%; no homozygotes.

Submissions (2):

Labcorp Genetics (formerly Invitae), Labcorp
Classification: Uncertain significance. Last evaluated: 2025-02-12. Review status: criteria provided, single submitter. Criteria: Invitae Variant Classification Sherloc (09022015). Collection method: clinical testing. Allele origin: germline.
Comment: This sequence change replaces threonine, which is neutral and polar, with isoleucine, which is neutral and non-polar, at codon 428 of the ACAD9 protein (p.Thr428Ile). This variant is present in population databases (no rsID available, gnomAD 0.0009%). This missense change has been observed in individual(s) with complex 1 deficiency (PMID: 26445304). ClinVar contains an entry for this variant (Variation ID: 3339771). Invitae Evidence Modeling of protein sequence and biophysical properties (such as structural, functional, and spatial information, amino acid conservation, physicochemical variation, residue mobility, and thermodynamic stability) indicates that this missense variant is expected to disrupt ACAD9 protein function with a positive predictive value of 80%. In summary, the available evidence is currently insufficient to determine the role of this variant in disease. Therefore, it has been classified as a Variant of Uncertain Significance.

Women's Health and Genetics/Laboratory Corporation of America, LabCorp
Classification: Uncertain significance. Last evaluated: 2024-06-03. Review status: criteria provided, single submitter. Criteria: LabCorp Variant Classification Summary - May 2015. Collection method: clinical testing. Allele origin: germline.
Comment: Variant summary: ACAD9 c.1283C>T (p.Thr428Ile) results in a non-conservative amino acid change located in the Acyl-CoA dehydrogenase/oxidase, C-terminal (IPR009075) of the encoded protein sequence. Five of five in-silico tools predict a damaging effect of the variant on protein function. The variant allele was found at a frequency of 4e-06 in 251376 control chromosomes. The available data on variant occurrences in the general population are insufficient to allow any conclusion about variant significance. c.1283C>T has been reported in the literature in individuals affected with Mitochondrial Complex I Deficiency (Daniel_2015) . These report(s) do not provide unequivocal conclusions about association of the variant with Mitochondrial Complex I Deficiency, Nuclear Type 20. To our knowledge, no experimental evidence demonstrating an impact on protein function has been reported. The following publication have been ascertained in the context of this evaluation (PMID: 26445304). No submitters have cited clinical-significance assessments for this variant to ClinVar. Based on the evidence outlined above, the variant was classified as uncertain significance.

Literature cited by the submitters: PubMed 26445304 (cited by Labcorp Genetics (formerly Invitae), Labcorp and Women's Health and Genetics/Laboratory Corporation of America, LabCorp).